The following is an entry in ClinVar:

NM_152564.5(VPS13B):c.4357T>C (p.Ser1453Pro)

Gene: VPS13B (vacuolar protein sorting 13 homolog B; plus strand). Cytogenetic location: 8q22.2.
Variant type: single nucleotide variant.
Coding change: c.4357T>C on transcript NM_152564.5 (MANE Select); coding-DNA position 4357, T replaced by C.
Protein change: p.Ser1453Pro; replaces serine 1453 with proline.
Molecular consequence: missense variant.
Genome position (GRCh38, 1-based): chr8:99,511,236, T>C. VCF-style: chr8-99511236-T-C. GRCh37 (hg19) VCF-style: chr8-100523464-T-C.
Other names: c.4432T>C, p.Ser1478Pro (NM_017890.5); c.4357T>C (NM_152564.4); short protein forms S1453P, S1478P.
Identifiers: ClinVar variation 1440457 (VCV001440457.9), dbSNP rs771420728, ClinGen allele CA4823527.

ClinVar aggregate classification (germline): Uncertain significance. Review status: criteria provided, single submitter (1 of 4 stars). 2 submissions from 2 submitters: Uncertain significance (1). 1 of the submissions does not count toward it. Last evaluated 2021-09-21.

Conditions:
VPS13B-related disorder. Also called: VPS13B-related condition.
Cohen syndrome (COH1). Also called: PEPPER SYNDROME; Cutis verticis gyrata, retinitis pigmentosa, and sensorineural deafness. Identifiers: Orphanet 193, MedGen C0265223, MONDO:0008999, OMIM 216550.

Allele frequency attached by ClinVar (database versions not stated): gnomAD exomes below 0.00001 and 0.00001; ExAC 0.00001.
gnomAD v4.1: 3 of 1,614,124 alleles (0.00019%); highest among the groups gnomAD compares: Admixed American, 0.0033%; no homozygotes.

Submissions (2):

Labcorp Genetics (formerly Invitae), Labcorp
Classification: Uncertain significance for Cohen syndrome. Last evaluated: 2021-09-21. Review status: criteria provided, single submitter. Criteria: Invitae Variant Classification Sherloc (09022015). Collection method: clinical testing. Allele origin: germline.
Comment: In summary, the available evidence is currently insufficient to determine the role of this variant in disease. Therefore, it has been classified as a Variant of Uncertain Significance. Algorithms developed to predict the effect of missense changes on protein structure and function output the following: SIFT: "Not Available"; PolyPhen-2: "Possibly Damaging"; Align-GVGD: "Not Available". The proline amino acid residue is found in multiple mammalian species, which suggests that this missense change does not adversely affect protein function. This variant has not been reported in the literature in individuals affected with VPS13B-related conditions. This variant is present in population databases (rs771420728, ExAC 0.009%). This sequence change replaces serine with proline at codon 1478 of the VPS13B protein (p.Ser1478Pro). The serine residue is moderately conserved and there is a moderate physicochemical difference between serine and proline.

PreventionGenetics, part of Exact Sciences
Classification: Uncertain significance for VPS13B-related condition. Last evaluated: 2024-06-04. Review status: no assertion criteria provided. Collection method: clinical testing. Allele origin: germline. Not counted in ClinVar's aggregate classification.
Comment: The VPS13B c.4357T>C variant is predicted to result in the amino acid substitution p.Ser1453Pro. To our knowledge, this variant has not been reported in the literature. This variant is reported in 0.0058% of alleles in individuals of Latino descent in gnomAD. At this time, the clinical significance of this variant is uncertain due to the absence of conclusive functional and genetic evidence.